The following is an entry in ClinVar:

NM_001034853.2(RPGR):c.1245+1G>T

Gene: RPGR (retinitis pigmentosa GTPase regulator; minus strand). Cytogenetic location: Xp11.4.
Variant type: single nucleotide variant.
Coding change: c.1245+1G>T on transcript NM_001034853.2 (MANE Select); the canonical splice donor site of the intron after coding-DNA position 1245, G replaced by T.
Molecular consequence: splice donor variant. On other transcripts: intron variant (2).
Genome position (GRCh38, 1-based): chrX:38,298,955, C>A on the plus strand (G>T on the coding strand, the complement: RPGR is on the minus strand). VCF-style: chrX-38298955-C-A. GRCh37 (hg19) VCF-style: chrX-38158208-C-A.
Other names: c.1242+1G>T (NM_001367249.1, NM_001367250.1, NM_001367245.1); c.1060-1503G>T (NM_001367251.1, NM_001367246.1); c.1245+1G>T (NM_001367247.1, NM_000328.3); c.1275+1G>T (NM_001367248.1).
Identifiers: ClinVar variation 2138541 (VCV002138541.5), dbSNP rs2147232242, ClinGen allele CA412739703.

ClinVar aggregate classification (germline): Pathogenic. Review status: criteria provided, single submitter (1 of 4 stars). 2 submissions from 2 submitters: Pathogenic (1). 1 of the submissions does not count toward it. Last evaluated 2026-01-13.

Conditions:
Primary ciliary dyskinesia. Also called: Ciliary dyskinesia. Identifiers: Orphanet 244, MedGen C0008780, MONDO:0016575, HP:0012265.
Retinal dystrophy. Also called: Inherited retinal dystrophy. Identifiers: Orphanet 71862, MedGen C0854723, MeSH D058499, MONDO:0019118, HP:0000556.

Submissions (2):

Labcorp Genetics (formerly Invitae), Labcorp
Classification: Pathogenic for Primary ciliary dyskinesia. Last evaluated: 2026-01-13. Review status: criteria provided, single submitter. Criteria: Invitae Variant Classification Sherloc (09022015). Collection method: clinical testing. Allele origin: germline.
Comment: This sequence change affects a donor splice site in intron 10 of the RPGR gene. It is expected to disrupt RNA splicing. Variants that disrupt the donor or acceptor splice site typically lead to a loss of protein function (PMID: 16199547), and loss-of-function variants in RPGR are known to be pathogenic (PMID: 16055928, 16969763). This variant is not present in population databases (gnomAD no frequency). Disruption of this splice site has been observed in individuals with retinitis pigmentosa (PMID: 26766544; internal data). ClinVar contains an entry for this variant (Variation ID: 2138541). Algorithms developed to predict the effect of sequence changes on RNA splicing suggest that this variant may disrupt the consensus splice site. For these reasons, this variant has been classified as Pathogenic.

Institute of Human Genetics, Univ. Regensburg, Univ. Regensburg
Classification: Pathogenic for Retinal dystrophy. Last evaluated: 2012-01-01. Review status: no assertion criteria provided. Criteria: ACMG Guidelines, 2015. Collection method: clinical testing. Allele origin: germline. Affected: yes. Not counted in ClinVar's aggregate classification.

Literature cited by the submitters: PubMed 16199547 (cited by Labcorp Genetics (formerly Invitae), Labcorp); PubMed 16055928 (cited by Labcorp Genetics (formerly Invitae), Labcorp); PubMed 16969763 (cited by Labcorp Genetics (formerly Invitae), Labcorp); PubMed 26766544 (cited by Labcorp Genetics (formerly Invitae), Labcorp).